The following is an entry in ClinVar:

NM_024675.4(PALB2):c.1772C>T (p.Pro591Leu)

Gene: PALB2 (partner and localizer of BRCA2; minus strand). Cytogenetic location: 16p12.2.
Variant type: single nucleotide variant.
Coding change: c.1772C>T on transcript NM_024675.4 (MANE Select); coding-DNA position 1772, C replaced by T.
Protein change: p.Pro591Leu; replaces proline 591 with leucine.
Molecular consequence: missense variant.
Genome position (GRCh38, 1-based): chr16:23,630,382, G>A on the plus strand (C>T on the coding strand, the complement: PALB2 is on the minus strand). VCF-style: chr16-23630382-G-A. GRCh37 (hg19) VCF-style: chr16-23641703-G-A.
Other names: c.1712C>T, p.Pro571Leu (NM_001407296.1); c.1772C>T, p.Pro591Leu (NM_001407297.1, NM_001407298.1, NM_001407299.1 and 3 more transcripts); c.887C>T, p.Pro296Leu (NM_001407304.1, NM_001407305.1, NM_001407306.1 and 5 more transcripts); c.-17C>T (NM_001407312.1, NM_001407313.1); short protein forms P296L, P571L, P591L.
Identifiers: ClinVar variation 1721943 (VCV001721943.5), dbSNP rs761773470, ClinGen allele CA395128180.

ClinVar aggregate classification (germline): Uncertain significance (1 of 4 stars; one submission).

Conditions:
Familial cancer of breast. Also called: hereditary breast carcinoma; BREAST CANCER, FAMILIAL; Hereditary breast cancer. Identifiers: Orphanet 227535, MedGen C0346153, MONDO:0016419, OMIM 114480. Disease mechanism: loss of function.

Submission:

Labcorp Genetics (formerly Invitae), Labcorp
Classification: Uncertain significance for Familial cancer of breast. Last evaluated: 2022-10-20. Review status: criteria provided, single submitter. Criteria: Invitae Variant Classification Sherloc (09022015). Collection method: clinical testing. Allele origin: germline.
Comment: In summary, the available evidence is currently insufficient to determine the role of this variant in disease. Therefore, it has been classified as a Variant of Uncertain Significance. Advanced modeling of protein sequence and biophysical properties (such as structural, functional, and spatial information, amino acid conservation, physicochemical variation, residue mobility, and thermodynamic stability) performed at Invitae indicates that this missense variant is not expected to disrupt PALB2 protein function. This variant has not been reported in the literature in individuals affected with PALB2-related conditions. This variant is not present in population databases (gnomAD no frequency). This sequence change replaces proline, which is neutral and non-polar, with leucine, which is neutral and non-polar, at codon 591 of the PALB2 protein (p.Pro591Leu).